The following is an entry in ClinVar:

ClinVar aggregate classification (germline): Uncertain significance (1 of 4 stars; one submission).

Conditions:
Cardiovascular phenotype. Identifiers: MedGen CN230736.

Allele frequency attached by ClinVar (database versions not stated): TOPMed below 0.00001; ExAC 0.00001; gnomAD exomes 0.00001.
gnomAD v4.1: 9 of 1,613,356 alleles (0.00056%); highest among the groups gnomAD compares: South Asian, 0.0055%; no homozygotes.

Submission:

Ambry Genetics
Classification: Uncertain significance for Cardiovascular phenotype. Last evaluated: 2023-08-25. Review status: criteria provided, single submitter. Criteria: Ambry Variant Classification Scheme 2023. Collection method: clinical testing. Allele origin: germline.
Comment: The p.Y3427C variant (also known as c.10280A>G), located in coding exon 41 of the AKAP9 gene, results from an A to G substitution at nucleotide position 10280. The tyrosine at codon 3427 is replaced by cysteine, an amino acid with highly dissimilar properties. This amino acid position is conserved. In addition, this alteration is predicted to be tolerated by in silico analysis. Since supporting evidence is limited at this time, the clinical significance of this alteration remains unclear.

NM_005751.5(AKAP9):c.10280A>G (p.Tyr3427Cys)

Gene: AKAP9 (A-kinase anchoring protein 9; plus strand). Cytogenetic location: 7q21.2.
Variant type: single nucleotide variant.
Coding change: c.10280A>G on transcript NM_005751.5 (MANE Select); coding-DNA position 10280, A replaced by G.
Protein change: p.Tyr3427Cys; replaces tyrosine 3427 with cysteine.
Molecular consequence: missense variant.
Genome position (GRCh38, 1-based): chr7:92,097,239, A>G. VCF-style: chr7-92097239-A-G. GRCh37 (hg19) VCF-style: chr7-91726553-A-G.
Other names: c.4925A>G, p.Tyr1642Cys (NM_001379277.1); c.10256A>G, p.Tyr3419Cys (NM_147185.3); short protein forms Y1642C, Y3427C, Y3419C.
Identifiers: ClinVar variation 2626297 (VCV002626297.2), dbSNP rs775430597, ClinGen allele CA4337917.